The following is an entry in ClinVar:

ClinVar aggregate classification (germline): Uncertain significance (1 of 4 stars; one submission).

Conditions:
Familial hemiplegic migraine. Identifiers: MedGen C0338484, MONDO:0000700.

Allele frequency attached by ClinVar (database versions not stated): gnomAD exomes below 0.00001.
gnomAD v4.1: 2 of 1,614,228 alleles (0.00012%); highest among the groups gnomAD compares: Non-Finnish European, 0.00017%; no homozygotes.

Submission:

Labcorp Genetics (formerly Invitae), Labcorp
Classification: Uncertain significance for Familial hemiplegic migraine. Last evaluated: 2019-08-21. Review status: criteria provided, single submitter. Criteria: Invitae Variant Classification Sherloc (09022015). Collection method: clinical testing. Allele origin: germline.
Comment: This sequence change replaces leucine with phenylalanine at codon 975 of the ATP1A2 protein (p.Leu975Phe). The leucine residue is highly conserved and there is a small physicochemical difference between leucine and phenylalanine. This variant is not present in population databases (ExAC no frequency). This variant has not been reported in the literature in individuals with ATP1A2-related conditions. Algorithms developed to predict the effect of missense changes on protein structure and function are either unavailable or do not agree on the potential impact of this missense change (SIFT: "Deleterious"; PolyPhen-2: "Benign"; Align-GVGD: "Class C15"). In summary, the available evidence is currently insufficient to determine the role of this variant in disease. Therefore, it has been classified as a Variant of Uncertain Significance.

NM_000702.4(ATP1A2):c.2923C>T (p.Leu975Phe)

Gene: ATP1A2 (ATPase Na+/K+ transporting subunit alpha 2; plus strand). Cytogenetic location: 1q23.2.
Variant type: single nucleotide variant.
Coding change: c.2923C>T on transcript NM_000702.4 (MANE Select); coding-DNA position 2923, C replaced by T.
Protein change: p.Leu975Phe; replaces leucine 975 with phenylalanine.
Molecular consequence: missense variant.
Genome position (GRCh38, 1-based): chr1:160,139,722, C>T. VCF-style: chr1-160139722-C-T. GRCh37 (hg19) VCF-style: chr1-160109512-C-T.
Other names: short protein forms L975F.
Identifiers: ClinVar variation 946571 (VCV000946571.9), dbSNP rs1652072049, ClinGen allele CA343255603.
Genomic context (GRCh38, chr1:160,139,722, plus strand): 5'-CTCCTGGAGGAGACGGCGTTGGCTGCCTTTCTCTCTTACTGCCCAGGCATGGGTGTAGCC[C>T]TCCGCATGTACCCGCTCAAGTGAGTGTCTCTTTCGGGCGGCCTGAGTAGTCATACGGGGG-3'
Protein context (NP_000693.1, residues 965-985): LSYCPGMGVA[Leu975Phe]RMYPLKVTWW